The following is an entry in ClinVar:

NM_006063.3(KLHL41):c.935C>T (p.Thr312Ile)

Gene: KLHL41 (kelch like family member 41; plus strand). Cytogenetic location: 2q31.1.
Variant type: single nucleotide variant.
Coding change: c.935C>T on transcript NM_006063.3 (MANE Select); coding-DNA position 935, C replaced by T.
Protein change: p.Thr312Ile; replaces threonine 312 with isoleucine.
Molecular consequence: missense variant.
Genome position (GRCh38, 1-based): chr2:169,510,713, C>T. VCF-style: chr2-169510713-C-T. GRCh37 (hg19) VCF-style: chr2-170367223-C-T.
Other names: c.935C>T (NM_006063.2); short protein forms T312I.
Identifiers: ClinVar variation 2163592 (VCV002163592.5), dbSNP rs570208118, ClinGen allele CA1956579.
Genomic context (GRCh38, chr2:169,510,713, plus strand): 5'-TGAATGACATTCCCAGGCATGGAATGTTTGTAAAAGACCTCATCCTCTTGGTTAATGACA[C>T]AGCAGCAGTGGCTTATGACCCCACGGAAAATGAATGCTACCTTACTGCACTGGCTGAGCA-3'
Protein context (NP_006054.2, residues 302-322): VKDLILLVND[Thr312Ile]AAVAYDPTEN

ClinVar aggregate classification (germline): Uncertain significance. Review status: criteria provided, multiple submitters, no conflicts (2 of 4 stars). 2 submissions from 2 submitters: Uncertain significance (2). Last evaluated 2025-08-02.

Conditions:
Inborn genetic diseases. Identifiers: MedGen C0950123, MeSH D030342.
Nemaline myopathy 9 (NEM9). Identifiers: MedGen C3810384, MONDO:0014326, OMIM 615731.

Allele frequency attached by ClinVar (database versions not stated): ExAC 0.00001; gnomAD 0.00001; gnomAD exomes 0.00001; 1000 Genomes Project 0.00020; 1000 Genomes Project 30x 0.00031.
gnomAD v4.1: 6 of 1,614,166 alleles (0.00037%); highest among the groups gnomAD compares: Admixed American, 0.0067%; no homozygotes.

Submissions (2):

Ambry Genetics
Classification: Uncertain significance for Inborn genetic diseases. Last evaluated: 2025-08-02. Review status: criteria provided, single submitter. Criteria: Ambry Variant Classification Scheme 2023. Collection method: clinical testing. Allele origin: germline.

Labcorp Genetics (formerly Invitae), Labcorp
Classification: Uncertain significance for Nemaline myopathy 9. Last evaluated: 2022-04-13. Review status: criteria provided, single submitter. Criteria: Invitae Variant Classification Sherloc (09022015). Collection method: clinical testing. Allele origin: germline.
Comment: This variant has not been reported in the literature in individuals affected with KLHL41-related conditions. This variant is present in population databases (rs570208118, gnomAD 0.006%). This sequence change replaces threonine, which is neutral and polar, with isoleucine, which is neutral and non-polar, at codon 312 of the KLHL41 protein (p.Thr312Ile). In summary, the available evidence is currently insufficient to determine the role of this variant in disease. Therefore, it has been classified as a Variant of Uncertain Significance. Algorithms developed to predict the effect of missense changes on protein structure and function are either unavailable or do not agree on the potential impact of this missense change (SIFT: "Deleterious"; PolyPhen-2: "Benign"; Align-GVGD: "Class C15").